The following is an entry in ClinVar:

ClinVar aggregate classification (germline): Uncertain significance (1 of 4 stars; one submission).

Conditions:
3-methylcrotonyl-CoA carboxylase 1 deficiency (MCC1D). Also called: MCCD TYPE 1; METHYLCROTONYLGLYCINURIA TYPE I; MCC 1 deficiency; 3 Alpha methylcrotonylglycinuria 1. Identifiers: Orphanet 6, MedGen CN028786, MONDO:0008861, OMIM 210200.

gnomAD v4.1: 35 of 1,614,070 alleles (0.0022%); highest among the groups gnomAD compares: Non-Finnish European, 0.0029%; no homozygotes.

Submission:

Labcorp Genetics (formerly Invitae), Labcorp
Classification: Uncertain significance for 3-methylcrotonyl-CoA carboxylase 1 deficiency. Last evaluated: 2022-02-02. Review status: criteria provided, single submitter. Criteria: Invitae Variant Classification Sherloc (09022015). Collection method: clinical testing. Allele origin: germline.
Comment: This sequence change replaces glutamic acid, which is acidic and polar, with lysine, which is basic and polar, at codon 425 of the MCCC1 protein (p.Glu425Lys). This variant is present in population databases (no rsID available, gnomAD 0.004%). This variant has not been reported in the literature in individuals affected with MCCC1-related conditions. Algorithms developed to predict the effect of missense changes on protein structure and function are either unavailable or do not agree on the potential impact of this missense change (SIFT: "Deleterious"; PolyPhen-2: "Possibly Damaging"; Align-GVGD: "Class C15"). In summary, the available evidence is currently insufficient to determine the role of this variant in disease. Therefore, it has been classified as a Variant of Uncertain Significance.

NM_020166.5(MCCC1):c.1273G>A (p.Glu425Lys)

Gene: MCCC1 (methylcrotonyl-CoA carboxylase subunit 1; minus strand). Cytogenetic location: 3q27.1.
Variant type: single nucleotide variant.
Coding change: c.1273G>A on transcript NM_020166.5 (MANE Select); coding-DNA position 1273, G replaced by A.
Protein change: p.Glu425Lys; replaces glutamic acid 425 with lysine.
Molecular consequence: missense variant. On other transcripts: non-coding transcript variant (2).
Genome position (GRCh38, 1-based): chr3:183,039,130, C>T on the plus strand (G>A on the coding strand, the complement: MCCC1 is on the minus strand). VCF-style: chr3-183039130-C-T. GRCh37 (hg19) VCF-style: chr3-182756918-C-T.
Other names: c.922G>A, p.Glu308Lys (NM_001293273.2); c.946G>A, p.Glu316Lys (NM_001363880.1); short protein forms E308K, E316K, E425K.
Identifiers: ClinVar variation 2141615 (VCV002141615.1), dbSNP rs369093010, ClinGen allele CA88702187.